The following is an entry in ClinVar:

NM_001080414.4(CCDC88C):c.3554A>C (p.Tyr1185Ser)

Gene: CCDC88C (coiled-coil domain containing 88C; minus strand). Cytogenetic location: 14q32.11.
Variant type: single nucleotide variant.
Coding change: c.3554A>C on transcript NM_001080414.4 (MANE Select); coding-DNA position 3554, A replaced by C.
Protein change: p.Tyr1185Ser; replaces tyrosine 1185 with serine.
Molecular consequence: missense variant.
Genome position (GRCh38, 1-based): chr14:91,303,782, T>G on the plus strand (A>C on the coding strand, the complement: CCDC88C is on the minus strand). VCF-style: chr14-91303782-T-G. GRCh37 (hg19) VCF-style: chr14-91770126-T-G.
Other names: short protein forms Y1185S.
Identifiers: ClinVar variation 2585231 (VCV002585231.1), dbSNP rs1005501824, ClinGen allele CA390621741.

ClinVar aggregate classification (germline): Uncertain significance (1 of 4 stars; one submission).

Conditions:
Spinocerebellar ataxia type 40. Identifiers: Orphanet 423275, MedGen C4518336, MONDO:0014475, OMIM 616053.

Submission:

Neuberg Centre For Genomic Medicine, NCGM
Classification: Uncertain significance for Spinocerebellar ataxia type 40. Review status: criteria provided, single submitter. Criteria: ACMG Guidelines, 2015. Collection method: clinical testing. Allele origin: germline. Inheritance: Autosomal dominant inheritance. Affected: yes.
Comment: The missense variant c.3554A>C(p.Tyr1185Ser) in CCDC88C gene has not been reported previously as a pathogenic variant nor as a benign variant, to our knowledge. This variant has not been reported to the ClinVar database. The p.Tyr1185Ser variant is novel (not in any individuals) in gnomAD Exomes and 1000 Genomes. The amino acid Tyr at position 1185 is changed to a Ser changing protein sequence and it might alter its composition and physico-chemical properties. The variant is predicted to be damaging by both SIFT and PolyPhen2. The residue is conserved across species. The amino acid change p.Tyr1185Ser in CCDC88C is predicted as conserved by GERP++ and PhyloP across 100 vertebrates. For these reasons, this variant has been classified as Uncertain Significance.